The following is an entry in ClinVar:

NM_005422.4(TECTA):c.696T>C (p.Asn232=)

Genes: TBCEL-TECTA (TBCEL-TECTA readthrough; plus strand), TECTA (tectorin alpha; plus strand). Cytogenetic location: 11q23.3.
Variant type: single nucleotide variant.
Coding change: c.696T>C on transcript NM_005422.4 (MANE Select); coding-DNA position 696, T replaced by C.
Protein change: p.Asn232=; no amino-acid change (asparagine 232 retained).
Molecular consequence: synonymous variant.
Genome position (GRCh38, 1-based): chr11:121,113,624, T>C. VCF-style: chr11-121113624-T-C. GRCh37 (hg19) VCF-style: chr11-120984333-T-C.
Other names: c.1653T>C, p.Asn551= (NM_001378761.1).
Identifiers: ClinVar variation 667167 (VCV000667167.11), dbSNP rs149758927, ClinGen allele CA6326579.

ClinVar aggregate classification (germline): Likely benign. Review status: criteria provided, multiple submitters, no conflicts (2 of 4 stars). 2 submissions from 2 submitters: Likely benign (2). Last evaluated 2024-03-02.

Allele frequency attached by ClinVar (database versions not stated): gnomAD exomes 0.00001 and 0.00004; gnomAD 0.00005 and 0.00007; ExAC 0.00006; TOPMed 0.00006; ESP Exome Variant Server 0.00015.
gnomAD v4.1: 29 of 1,613,862 alleles (0.0018%); highest among the groups gnomAD compares: African/African-American, 0.037%; no homozygotes.

Submissions (2):

Labcorp Genetics (formerly Invitae), Labcorp
Classification: Likely benign. Last evaluated: 2024-03-02. Review status: criteria provided, single submitter. Criteria: Invitae Variant Classification Sherloc (09022015). Collection method: clinical testing. Allele origin: germline.

Laboratory for Molecular Medicine, Mass General Brigham Personalized Medicine
Classification: Likely benign. Last evaluated: 2012-04-30. Review status: criteria provided, single submitter. Criteria: LMM Criteria. Collection method: clinical testing. Allele origin: germline. Observed: 1 variant allele.
Comment: Asn232Asn in Exon 05 of TECTA: This variant is not expected to have clinical sig nificance because it does not alter an amino acid residue, is not located within the splice consensus sequence, and has been identified in 0.1% (2/3738) of Afri can American chromosomes from a broad population by the NHLBI Exome Sequencing P roject (dbSNP rs149758927).